The following is an entry in ClinVar:

NM_000051.4(ATM):c.4797A>C (p.Ser1599=)

Gene: ATM (ATM serine/threonine kinase; plus strand). Cytogenetic location: 11q22.3.
Variant type: single nucleotide variant.
Coding change: c.4797A>C on transcript NM_000051.4 (MANE Select); coding-DNA position 4797, A replaced by C.
Protein change: p.Ser1599=; no amino-acid change (serine 1599 retained).
Molecular consequence: synonymous variant.
Genome position (GRCh38, 1-based): chr11:108,294,947, A>C. VCF-style: chr11-108294947-A-C. GRCh37 (hg19) VCF-style: chr11-108165674-A-C.
Other names: c.4797A>C, p.Ser1599= (NM_001351834.2).
Identifiers: ClinVar variation 481249 (VCV000481249.10), dbSNP rs1371876868, ClinGen allele CA382536366.
Genomic context (GRCh38, chr11:108,294,947, plus strand): 5'-ACCAATACGTGTTAAAAGCAAGTTACATTTTCTCTTTTAGGAAATTAACCATTTTCTCTC[A>C]GTAAGTGTTTATGATGCACTTCCATTGACAAGACTTGAAGGACTAAAGGATCTTCGAAGA-3'
Protein context (NP_000042.3, residues 1589-1609): SLLEEINHFL[Ser1599=]VSVYDALPLT

ClinVar aggregate classification (germline): Conflicting classifications of pathogenicity. Review status: criteria provided, conflicting classifications (1 of 4 stars). 4 submissions from 4 submitters: Uncertain significance (1); Benign (1); Likely benign (2). Last evaluated 2024-05-21.

Conditions:
Hereditary cancer-predisposing syndrome. Also called: Hereditary neoplastic syndrome; Neoplastic Syndromes, Hereditary; Tumor predisposition; Hereditary Cancer Syndrome. Identifiers: Orphanet 140162, MedGen C0027672, MeSH D009386, MONDO:0015356.
Familial cancer of breast. Also called: BREAST CANCER, FAMILIAL; Hereditary breast cancer; hereditary breast carcinoma. Identifiers: Orphanet 227535, MedGen C0346153, MONDO:0016419, OMIM 114480. Disease mechanism: loss of function.
Ataxia-telangiectasia syndrome (AT). Also called: LOUIS-BAR SYNDROME; Cerebello-oculocutaneous telangiectasia; Immunodeficiency with ataxia telangiectasia; AT, COMPLEMENTATION GROUP C; Ataxia-telangiectasia, complementation group D; ATAXIA-TELANGIECTASIA, COMPLEMENTATION GROUP A. Identifiers: Orphanet 100, MedGen C0004135, MONDO:0008840, OMIM 208900.

Submissions (4):

Myriad Genetics, Inc.
Classification: Benign for Familial cancer of breast. Last evaluated: 2024-05-21. Review status: criteria provided, single submitter. Criteria: Myriad Autosomal Dominant, Autosomal Recessive and X-Linked Classification Criteria (2023). Collection method: clinical testing. Allele origin: unknown.
Comment: This variant is considered benign. This variant is a silent/synonymous amino acid change and it is not expected to impact splicing.

Labcorp Genetics (formerly Invitae), Labcorp
Classification: Likely benign for Ataxia-telangiectasia syndrome. Last evaluated: 2023-03-21. Review status: criteria provided, single submitter. Criteria: Invitae Variant Classification Sherloc (09022015). Collection method: clinical testing. Allele origin: germline.

Sema4
Classification: Uncertain significance for Hereditary cancer-predisposing syndrome. Last evaluated: 2021-10-19. Review status: criteria provided, single submitter. Criteria: Sema4 Curation Guidelines. Collection method: curation. Allele origin: germline.
Comment: To the best of our knowledge, the ATM c.4797A>C (p.S1599=) variant has not been reported in individuals with ATM-related disease. In case-control studies evaluating Japanese breast cancer and pancreatic cancer patients, it was only seen in controls (PMID: 30287823, 32980694). It was not observed in the large and broad cohorts of the Genome Aggregation Database. The variant has been reported in ClinVar (Variation ID 481249). In silico tools suggest that the variant may potentially have an impact on splicing, though these predictions have not been confirmed by functional studies. The evidence is insufficient to meet ACMG/AMP criteria for classifying the variant as benign or pathogenic. Thus, the clinical significance of this variant is currently uncertain.

Ambry Genetics
Classification: Likely benign for Hereditary cancer-predisposing syndrome. Last evaluated: 2016-06-02. Review status: criteria provided, single submitter. Criteria: Ambry Variant Classification Scheme 2023. Collection method: clinical testing. Allele origin: germline.

Literature cited by the submitters: PubMed 30287823 (cited by Sema4); PubMed 32980694 (cited by Sema4).